The following is an entry in ClinVar:

ClinVar aggregate classification (germline): Likely benign (1 of 4 stars; one submission).

gnomAD v4.1: 1 of 1,613,242 alleles (0.000062%); highest among the groups gnomAD compares: South Asian, 0.0011%; no homozygotes.

Submission:

CeGaT Center for Human Genetics Tuebingen
Classification: Likely benign. Last evaluated: 2023-08-01. Review status: criteria provided, single submitter. Criteria: CeGaT Center For Human Genetics Tuebingen Variant Classification Criteria Version 2. Collection method: clinical testing. Allele origin: germline. Affected: yes. Observed: 1 variant allele.
Comment: TTN: PM2:Supporting, BP4, BP7

NM_001267550.2(TTN):c.60591G>A (p.Lys20197=)

Genes: TTN (titin; minus strand), TTN-AS1 (TTN antisense RNA 1; plus strand). Cytogenetic location: 2q31.2.
Variant type: single nucleotide variant.
Coding change: c.60591G>A on transcript NM_001267550.2 (MANE Select); coding-DNA position 60591, G replaced by A.
Protein change: p.Lys20197=; no amino-acid change (lysine 20197 retained).
Molecular consequence: synonymous variant.
Genome position (GRCh38, 1-based): chr2:178,591,134, C>T on the plus strand (G>A on the coding strand, the complement: TTN is on the minus strand). VCF-style: chr2-178591134-C-T. GRCh37 (hg19) VCF-style: chr2-179455861-C-T.
Other names: c.55668G>A, p.Lys18556= (NM_001256850.1); c.33396G>A, p.Lys11132= (NM_003319.4); c.52887G>A, p.Lys17629= (NM_133378.4); c.33771G>A, p.Lys11257= (NM_133432.3); c.33972G>A, p.Lys11324= (NM_133437.4).
Identifiers: ClinVar variation 2651625 (VCV002651625.24), dbSNP rs2469465402, ClinGen allele CA430266513.